The following is an entry in ClinVar:

NM_000532.5(PCCB):c.1087T>C (p.Ser363Pro)

Gene: PCCB (propionyl-CoA carboxylase subunit beta; plus strand). Cytogenetic location: 3q22.3.
Variant type: single nucleotide variant.
Coding change: c.1087T>C on transcript NM_000532.5 (MANE Select); coding-DNA position 1087, T replaced by C.
Protein change: p.Ser363Pro; replaces serine 363 with proline.
Molecular consequence: missense variant.
Genome position (GRCh38, 1-based): chr3:136,317,061, T>C. VCF-style: chr3-136317061-T-C. GRCh37 (hg19) VCF-style: chr3-136035903-T-C.
Other names: c.1147T>C, p.Ser383Pro (NM_001178014.2); short protein forms S363P, S383P.
Identifiers: ClinVar variation 939354 (VCV000939354.16), dbSNP rs770341883, ClinGen allele CA2631997.
Genomic context (GRCh38, chr3:136,317,061, plus strand): 5'-GGTTTTGCAAGAATGAATGGGAGGACTGTTGGAATTGTTGGCAACCAACCTAAGGTGGCC[T>C]CAGGTAGGATGGAGCTCTTATAAGCCTTGGTTTTGGGGTTGGAGGCCAGGGAAGCCTGGG-3'
Protein context (NP_000523.2, residues 353-373): GIVGNQPKVA[Ser363Pro]GCLDINSSVK

ClinVar aggregate classification (germline): Pathogenic. Review status: criteria provided, multiple submitters, no conflicts (2 of 4 stars). 5 submissions from 5 submitters: Pathogenic (5). Last evaluated 2025-11-28.

Conditions:
Propionic acidemia (PROP). Also called: GLYCINEMIA, KETOTIC; HYPERGLYCINEMIA WITH KETOACIDOSIS AND LEUKOPENIA; KETOTIC HYPERGLYCINEMIA. Identifiers: Orphanet 35, MedGen C0268579, MONDO:0011628, OMIM 606054, HP:0003571.

Allele frequency attached by ClinVar (database versions not stated): gnomAD exomes below 0.00001 and 0.00003; TOPMed 0.00001; ExAC 0.00004.

Submissions (5):

Labcorp Genetics (formerly Invitae), Labcorp
Classification: Pathogenic for Propionic acidemia. Last evaluated: 2025-11-28. Review status: criteria provided, single submitter. Criteria: Invitae Variant Classification Sherloc (09022015). Collection method: clinical testing. Allele origin: germline.
Comment: This sequence change replaces serine, which is neutral and polar, with proline, which is neutral and non-polar, at codon 363 of the PCCB protein (p.Ser363Pro). This variant is present in population databases (rs770341883, gnomAD 0.05%). This missense change has been observed in individual(s) with propionic acidemia (PMID: 25636094, 33028371, 35331292; internal data). ClinVar contains an entry for this variant (Variation ID: 939354). Invitae Evidence Modeling of protein sequence and biophysical properties (such as structural, functional, and spatial information, amino acid conservation, physicochemical variation, residue mobility, and thermodynamic stability) has been performed for this missense variant. However, the output from this modeling did not meet the statistical confidence thresholds required to predict the impact of this variant on PCCB protein function. This variant disrupts the p.Ser363 amino acid residue in PCCB. Other variant(s) that disrupt this residue have been observed in individuals with PCCB-related conditions (PMID: 30705822), which suggests that this may be a clinically significant amino acid residue. For these reasons, this variant has been classified as Pathogenic.

Natera, Inc.
Classification: Pathogenic for Propionic acidemia. Last evaluated: 2025-08-27. Review status: criteria provided, single submitter. Criteria: Natera Variant Classification Schema (03/2026). Collection method: clinical testing. Allele origin: germline.
Comment: The c.1087T>C variant in PCCB is a missense variant predicted to cause substitution of serine to proline at amino acid 363. This variant is rare in the general population with a frequency below the threshold expected for the associated phenotype(s). This variant has been observed in one or more individuals affected with the associated recessive disease, as either homozygous or compound heterozygous with a second variant (PMID: 35331292, 33028371, 26620954, 30904546). Additionally, this variant has been observed to segregate in affected family members (PMID: 35331292). Computational prediction algorithms indicate this variant is likely to affect gene or protein function. Given the available evidence, this variant is classified as Pathogenic.

Fulgent Genetics
Classification: Pathogenic for Propionic acidemia. Last evaluated: 2024-06-20. Review status: criteria provided, single submitter. Criteria: ACMG Guidelines, 2015. Collection method: clinical testing. Allele origin: germline.

Baylor Genetics
Classification: Pathogenic for Propionic acidemia. Last evaluated: 2024-03-03. Review status: criteria provided, single submitter. Criteria: ACMG Guidelines, 2015. Collection method: clinical testing. Allele origin: unknown.

Juno Genomics, Hangzhou Juno Genomics, Inc
Classification: Pathogenic for Propionic acidemia. Review status: criteria provided, single submitter. Criteria: ACMG Guidelines, 2015. Collection method: clinical testing. Allele origin: germline.
Comment: Absent from controls (or at extremely low frequency if recessive) in Genome Aggregation Database.;Multiple lines of computational evidence support a deleterious effect on the gene or gene product.;For recessive disorders, detected in trans with a pathogenic variant.;Patient's phenotype or family history is highly specific for a disease with a single genetic etiology.

Literature cited by the submitters: PubMed 25636094 (cited by Labcorp Genetics (formerly Invitae), Labcorp); PubMed 33028371 (cited by Labcorp Genetics (formerly Invitae), Labcorp and Natera, Inc.); PubMed 35331292 (cited by Labcorp Genetics (formerly Invitae), Labcorp and Natera, Inc.); PubMed 30705822 (cited by Labcorp Genetics (formerly Invitae), Labcorp); PubMed 26620954 (cited by Natera, Inc.); PubMed 30904546 (cited by Natera, Inc.).